The following is an entry in ClinVar:

ClinVar aggregate classification (germline): Uncertain significance (1 of 4 stars; one submission).

Conditions:
Catecholaminergic polymorphic ventricular tachycardia (CVPT). Also called: Catecholamine-induced polymorphic ventricular tachycardia. Identifiers: Orphanet 3286, MedGen C5574922, MONDO:0017990.

Submission:

All of Us Research Program, National Institutes of Health
Classification: Uncertain significance for Catecholaminergic polymorphic ventricular tachycardia. Last evaluated: 2023-11-20. Review status: criteria provided, single submitter. Criteria: ACMG Guidelines, 2015. Collection method: clinical testing. Allele origin: germline. Inheritance: Autosomal dominant inheritance. Observed: 1 variant allele, 1 heterozygote.
Comment: This missense variant replaces alanine with serine at codon 1325 of the RYR2 protein. Computational prediction suggests that this variant may not impact protein structure and function (internally defined REVEL score threshold <= 0.5, PMID: 27666373). To our knowledge, functional studies have not been reported for this variant. This variant has not been reported in individuals affected with RYR2-related disorders in the literature. This variant has not been identified in the general population by the Genome Aggregation Database (gnomAD). The available evidence is insufficient to determine the role of this variant in disease conclusively. Therefore, this variant is classified as a Variant of Uncertain Significance.

This study involves interpretation of variants in research participants for the purpose of population health screening. Participant phenotype was not available at the time of variant classification. Additional details can be found in publication PMID: 35346344, PMCID: PMC8962531

NM_001035.3(RYR2):c.3973G>T (p.Ala1325Ser)

Genes: RYR2 (ryanodine receptor 2; plus strand), LOC126806067 (BRD4-independent group 4 enhancer GRCh37_chr1:237753258-237754457; plus strand). Cytogenetic location: 1q43.
Variant type: single nucleotide variant.
Coding change: c.3973G>T on transcript NM_001035.3 (MANE Select); coding-DNA position 3973, G replaced by T.
Protein change: p.Ala1325Ser; replaces alanine 1325 with serine.
Molecular consequence: missense variant.
Genome position (GRCh38, 1-based): chr1:237,590,805, G>T. VCF-style: chr1-237590805-G-T. GRCh37 (hg19) VCF-style: chr1-237754105-G-T.
Other names: short protein forms A1325S.
Identifiers: ClinVar variation 3074633 (VCV003074633.1), dbSNP rs1043523829, ClinGen allele CA345397466.